The following is an entry in ClinVar:

NM_000540.3(RYR1):c.3970G>A (p.Ala1324Thr)

Gene: RYR1 (ryanodine receptor 1; plus strand). Cytogenetic location: 19q13.2.
Variant type: single nucleotide variant.
Coding change: c.3970G>A on transcript NM_000540.3 (MANE Select); coding-DNA position 3970, G replaced by A.
Protein change: p.Ala1324Thr; replaces alanine 1324 with threonine.
Molecular consequence: missense variant.
Genome position (GRCh38, 1-based): chr19:38,473,581, G>A. VCF-style: chr19-38473581-G-A. GRCh37 (hg19) VCF-style: chr19-38964221-G-A.
Other names: c.3970G>A, p.Ala1324Thr (NM_001042723.2); short protein forms A1324T.
Identifiers: ClinVar variation 3074946 (VCV003074946.1), dbSNP rs2514147550, ClinGen allele CA405642371.
Genomic context (GRCh38, chr19:38,473,581, plus strand): 5'-GCAGGGGCCACCCCGCTGGCACCTCCTGGCCTGCAGCCCCCCGCCGAGGACGAGGCCCGG[G>A]CGGCGGAACCCGACCCTGACTACGAAAACCTGCGCCGCTCAGCTGGGGGCTGGAGCGAGG-3'
Protein context (NP_000531.2, residues 1314-1334): LQPPAEDEAR[Ala1324Thr]AEPDPDYENL

ClinVar aggregate classification (germline): Uncertain significance (1 of 4 stars; one submission).

Conditions:
Malignant hyperthermia, susceptibility to, 1 (MHS1). Also called: Anesthesia related hyperthermia; Malignant hyperpyrexia; Fulminating hyperpyrexia; Pharmacogenic myopathy; RYR1-Related Malignant Hyperthermia Susceptibility; Malignant hyperthermia suceptibility 1. Identifiers: Orphanet 423, MedGen C2930980, MONDO:0007783, OMIM 145600.

Allele frequency attached by ClinVar (database versions not stated): gnomAD exomes below 0.00001.
gnomAD v4.1: 1 of 1,592,602 alleles (0.000063%); highest among the groups gnomAD compares: Non-Finnish European, 0.000085%; no homozygotes.

Submission:

All of Us Research Program, National Institutes of Health
Classification: Uncertain significance for Malignant hyperthermia, susceptibility to, 1. Last evaluated: 2024-01-11. Review status: criteria provided, single submitter. Criteria: ACMG Guidelines, 2015. Collection method: clinical testing. Allele origin: germline. Inheritance: Autosomal dominant inheritance. Observed: 1 variant allele, 1 heterozygote.
Comment: This study involves interpretation of variants in research participants for the purpose of population health screening. Participant phenotype was not available at the time of variant classification. Additional details can be found in publication PMID: 35346344, PMCID: PMC8962531